The following is an entry in ClinVar:

NM_182931.3(KMT2E):c.4277A>G (p.Glu1426Gly)

Gene: KMT2E (lysine methyltransferase 2E (inactive); plus strand). Cytogenetic location: 7q22.3.
Variant type: single nucleotide variant.
Coding change: c.4277A>G on transcript NM_182931.3 (MANE Select); coding-DNA position 4277, A replaced by G.
Protein change: p.Glu1426Gly; replaces glutamic acid 1426 with glycine.
Molecular consequence: missense variant.
Genome position (GRCh38, 1-based): chr7:105,112,033, A>G. VCF-style: chr7-105112033-A-G. GRCh37 (hg19) VCF-style: chr7-104752480-A-G.
Other names: c.4151A>G, p.Glu1384Gly (NM_001410908.1); c.4277A>G, p.Glu1426Gly (NM_018682.4); c.4277A>G (NM_182931.2); short protein forms E1384G, E1426G.
Identifiers: ClinVar variation 2793005 (VCV002793005.4), dbSNP rs952260947, ClinGen allele CA164023691.

ClinVar aggregate classification (germline): Uncertain significance. Review status: criteria provided, multiple submitters, no conflicts (2 of 4 stars). 2 submissions from 2 submitters: Uncertain significance (2). Last evaluated 2024-01-08.

Conditions:
Inborn genetic diseases. Identifiers: MedGen C0950123, MeSH D030342.

Allele frequency attached by ClinVar (database versions not stated): gnomAD exomes below 0.00001; TOPMed below 0.00001; gnomAD 0.00003.
gnomAD v4.1: 5 of 1,614,096 alleles (0.00031%); highest among the groups gnomAD compares: African/African-American, 0.0053%; no homozygotes.

Submissions (2):

Ambry Genetics
Classification: Uncertain significance for Inborn genetic diseases. Last evaluated: 2024-01-08. Review status: criteria provided, single submitter. Criteria: Ambry Variant Classification Scheme 2023. Collection method: clinical testing. Allele origin: germline.

Labcorp Genetics (formerly Invitae), Labcorp
Classification: Uncertain significance. Last evaluated: 2023-06-29. Review status: criteria provided, single submitter. Criteria: Invitae Variant Classification Sherloc (09022015). Collection method: clinical testing. Allele origin: germline.
Comment: This sequence change replaces glutamic acid, which is acidic and polar, with glycine, which is neutral and non-polar, at codon 1426 of the KMT2E protein (p.Glu1426Gly). In summary, the available evidence is currently insufficient to determine the role of this variant in disease. Therefore, it has been classified as a Variant of Uncertain Significance. Advanced modeling of protein sequence and biophysical properties (such as structural, functional, and spatial information, amino acid conservation, physicochemical variation, residue mobility, and thermodynamic stability) performed at Invitae indicates that this missense variant is not expected to disrupt KMT2E protein function. This variant has not been reported in the literature in individuals affected with KMT2E-related conditions. This variant is present in population databases (no rsID available, gnomAD 0.01%).